The following is an entry in ClinVar:

ClinVar aggregate classification (germline): Uncertain significance (1 of 4 stars; one submission).

Conditions:
Cystic fibrosis (CF). Also called: MUCOVISCIDOSIS. Identifiers: Orphanet 586, MedGen C0010674, MONDO:0009061, OMIM 219700. Disease mechanism: loss of function.

Submission:

Ambry Genetics
Classification: Uncertain significance for Cystic fibrosis. Last evaluated: 2025-12-11. Review status: criteria provided, single submitter. Criteria: Ambry Variant Classification Scheme 2023. Collection method: clinical testing. Allele origin: germline.
Comment: The p.S169N variant (also known as c.506G>A), located in coding exon 5 of the CFTR gene, results from a G to A substitution at nucleotide position 506. The serine at codon 169 is replaced by asparagine, an amino acid with highly similar properties. This amino acid position is highly conserved in available vertebrate species. In addition, the in silico prediction for this alteration is inconclusive. Since supporting evidence is limited at this time, the clinical significance of this alteration remains unclear.

NM_000492.4(CFTR):c.506G>A (p.Ser169Asn)

Gene: CFTR (CF transmembrane conductance regulator; plus strand). Cytogenetic location: 7q31.2.
Variant type: single nucleotide variant.
Coding change: c.506G>A on transcript NM_000492.4 (MANE Select); coding-DNA position 506, G replaced by A.
Protein change: p.Ser169Asn; replaces serine 169 with asparagine.
Molecular consequence: missense variant.
Genome position (GRCh38, 1-based): chr7:117,534,292, G>A. VCF-style: chr7-117534292-G-A. GRCh37 (hg19) VCF-style: chr7-117174346-G-A.
Other names: short protein forms S169N.
Identifiers: ClinVar variation 1745150 (VCV001745150.3), dbSNP rs2485014175, ClinGen allele CA368976366.